The following is an entry in ClinVar:

NM_001105247.2(ARMC5):c.2326G>A (p.Ala776Thr)

Gene: ARMC5 (armadillo repeat containing 5; plus strand). Cytogenetic location: 16p11.2.
Variant type: single nucleotide variant.
Coding change: c.2326G>A on transcript NM_001105247.2 (MANE Select); coding-DNA position 2326, G replaced by A.
Protein change: p.Ala776Thr; replaces alanine 776 with threonine.
Molecular consequence: missense variant. On other transcripts: 3 prime UTR variant (1).
Genome position (GRCh38, 1-based): chr16:31,466,407, G>A. VCF-style: chr16-31466407-G-A. GRCh37 (hg19) VCF-style: chr16-31477728-G-A.
Other names: c.2611G>A, p.Ala871Thr (NM_001288767.2); c.2422G>A, p.Ala808Thr (NM_001301820.1); c.*1206G>A (NM_024742.2); short protein forms A871T, A808T, A776T.
Identifiers: ClinVar variation 708449 (VCV000708449.28), dbSNP rs190720368, ClinGen allele CA8030018.

ClinVar aggregate classification (germline): Likely benign. Review status: criteria provided, multiple submitters, no conflicts (2 of 4 stars). 3 submissions from 3 submitters: Likely benign (3). Last evaluated 2023-10-01.

Allele frequency attached by ClinVar (database versions not stated): gnomAD 0.00009 and 0.00016; ESP Exome Variant Server 0.00016; TOPMed 0.00018; gnomAD exomes 0.00026; ExAC 0.00027; 1000 Genomes Project 0.00120; 1000 Genomes Project 30x 0.00141.
gnomAD v4.1: 208 of 1,612,218 alleles (0.013%); highest among the groups gnomAD compares: East Asian, 0.22%; 3 homozygotes.

Submissions (3):

CeGaT Center for Human Genetics Tuebingen
Classification: Likely benign. Last evaluated: 2023-10-01. Review status: criteria provided, single submitter. Criteria: CeGaT Center For Human Genetics Tuebingen Variant Classification Criteria Version 2. Collection method: clinical testing. Allele origin: germline. Affected: yes. Observed: 1 variant allele.
Comment: ARMC5: BS2

Labcorp Genetics (formerly Invitae), Labcorp
Classification: Likely benign. Last evaluated: 2017-07-18. Review status: criteria provided, single submitter. Criteria: Invitae Variant Classification Sherloc (09022015). Collection method: clinical testing. Allele origin: germline.

Breakthrough Genomics
Classification: Likely benign. Review status: criteria provided, single submitter. Criteria: ACMG Guidelines, 2015. Collection method: not provided. Allele origin: germline. Inheritance: Autosomal dominant inheritance. Affected: yes.